The following is an entry in ClinVar:

ClinVar aggregate classification (germline): Conflicting classifications of pathogenicity. Review status: criteria provided, conflicting classifications (1 of 4 stars). 8 submissions from 8 submitters: Uncertain significance (1); Benign (1); Likely benign (4). 2 of the submissions do not count toward it. Last evaluated 2026-02-02.

Conditions:
Finnish congenital nephrotic syndrome (NPHS1). Also called: NEPHROTIC SYNDROME, TYPE 1. Identifiers: Orphanet 839, MedGen C0403399, MONDO:0009732, OMIM 256300.

Allele frequency attached by ClinVar (database versions not stated): ESP Exome Variant Server 0.00031; TOPMed 0.00062; gnomAD exomes 0.00092 and 0.00229; gnomAD 0.00151; ExAC 0.00194; 1000 Genomes Project 30x 0.00265; 1000 Genomes Project 0.00280.
gnomAD v4.1: 1,613 of 1,614,076 alleles (0.1%); highest among the groups gnomAD compares: East Asian, 0.65%; 11 homozygotes.

Submissions (8):

Labcorp Genetics (formerly Invitae), Labcorp
Classification: Benign. Last evaluated: 2026-02-02. Review status: criteria provided, single submitter. Criteria: Invitae Variant Classification Sherloc (09022015). Collection method: clinical testing. Allele origin: germline.

Women's Health and Genetics/Laboratory Corporation of America, LabCorp
Classification: Likely benign. Last evaluated: 2025-12-09. Review status: criteria provided, single submitter. Criteria: LabCorp Variant Classification Summary - May 2015. Collection method: clinical testing. Allele origin: germline.
Comment: Variant summary: NPHS1 c.2398C>T (p.Arg800Cys) results in a non-conservative amino acid change in the encoded protein sequence. Algorithms developed to predict the effect of missense changes on protein structure and function are either unavailable or do not agree on the potential impact of this missense change. The variant allele was found at a frequency of 0.0023 in 251448 control chromosomes, predominantly at a frequency of 0.0079 within the East Asian subpopulation in the gnomAD database. The observed variant frequency within East Asian control individuals in the gnomAD database exceeds the estimated maximal expected allele frequency for disease-causing variants in NPHS1. c.2398C>T has been observed in individual(s) affected with Nephrotic Syndrome. These report(s) do not provide unequivocal conclusions about association of the variant with Nephrotic Syndrome, Type 1. To our knowledge, no experimental evidence demonstrating an impact on protein function has been reported. The following publication have been ascertained in the context of this evaluation (PMID: 31328266). ClinVar contains an entry for this variant (Variation ID: 222761). Based on the evidence outlined above, the variant was classified as likely benign.

Blueprint Genetics
Classification: Likely benign. Last evaluated: 2024-11-25. Review status: criteria provided, single submitter. Criteria: ACMG Guidelines, 2015. Collection method: clinical testing. Allele origin: germline.

Department of Pathology and Laboratory Medicine, Sinai Health System
Classification: Uncertain significance for Finnish congenital nephrotic syndrome. Last evaluated: 2021-10-20. Review status: criteria provided, single submitter. Criteria: ACMG Guidelines, 2015. Collection method: research. Allele origin: germline.

Genome-Nilou Lab
Classification: Likely benign for Finnish congenital nephrotic syndrome. Last evaluated: 2021-05-18. Review status: criteria provided, single submitter. Criteria: ACMG Guidelines, 2015. Collection method: clinical testing. Allele origin: germline. Affected: no.

Baylor Genetics
Classification: Likely benign for Finnish congenital nephrotic syndrome. Review status: criteria provided, single submitter. Criteria: ACMG Guidelines, 2015. Collection method: clinical testing. Allele origin: unknown.

Natera, Inc.
Classification: Uncertain significance for Finnish congenital nephrotic syndrome. Last evaluated: 2020-04-03. Review status: no assertion criteria provided. Collection method: clinical testing. Allele origin: germline. Not counted in ClinVar's aggregate classification.

Counsyl
Classification: Likely benign for Finnish congenital nephrotic syndrome. Last evaluated: 2018-05-08. Review status: no assertion criteria provided. Collection method: clinical testing. Allele origin: unknown. Not counted in ClinVar's aggregate classification.

Literature cited by the submitters: PubMed 31328266 (cited by Women's Health and Genetics/Laboratory Corporation of America, LabCorp); PubMed 17211152 (cited by Counsyl); PubMed 15968559 (cited by Counsyl); PubMed 28476686 (cited by Counsyl).

NM_004646.4(NPHS1):c.2398C>T (p.Arg800Cys)

Gene: NPHS1 (NPHS1 adhesion molecule, nephrin; minus strand). Cytogenetic location: 19q13.12.
Variant type: single nucleotide variant.
Coding change: c.2398C>T on transcript NM_004646.4 (MANE Select); coding-DNA position 2398, C replaced by T.
Protein change: p.Arg800Cys; replaces arginine 800 with cysteine.
Molecular consequence: missense variant.
Genome position (GRCh38, 1-based): chr19:35,842,487, G>A on the plus strand (C>T on the coding strand, the complement: NPHS1 is on the minus strand). VCF-style: chr19-35842487-G-A. GRCh37 (hg19) VCF-style: chr19-36333389-G-A.
Other names: short protein forms R800C.
Identifiers: ClinVar variation 222761 (VCV000222761.21), dbSNP rs114896482, ClinGen allele CA067719.
Genomic context (GRCh38, chr19:35,842,487, plus strand): 5'-TGTCCACAATGCACTGGTAAGCGCCAGCCTGGGCCAGTTTGGCATGGTGAATCCGCAGGC[G>A]CCCCGTTGGTCCCCTGGATATCTTCTCCATGTCATCCAGGCTCTGGTCCTCCTCATCTTC-3'
Protein context (NP_004637.1, residues 790-810): MEKISRGPTG[Arg800Cys]LRIHHAKLAQ